The following is an entry in ClinVar:

NM_152384.3(BBS5):c.551A>G (p.Asn184Ser)

Gene: BBS5 (Bardet-Biedl syndrome 5; plus strand). Cytogenetic location: 2q31.1.
Variant type: single nucleotide variant.
Coding change: c.551A>G on transcript NM_152384.3 (MANE Select); coding-DNA position 551, A replaced by G.
Protein change: p.Asn184Ser; replaces asparagine 184 with serine.
Molecular consequence: missense variant.
Genome position (GRCh38, 1-based): chr2:169,493,769, A>G. VCF-style: chr2-169493769-A-G. GRCh37 (hg19) VCF-style: chr2-170350279-A-G.
Other names: short protein forms N184S.
Identifiers: ClinVar variation 100605 (VCV000100605.50), dbSNP rs137853921, ClinGen allele CA179794.

ClinVar aggregate classification (germline): Conflicting classifications of pathogenicity. Review status: criteria provided, conflicting classifications (1 of 4 stars). 14 submissions from 14 submitters: Uncertain significance (2); Benign (2); Likely benign (8). 2 of the submissions do not count toward it. Last evaluated 2026-09-01.

Conditions:
Retinal dystrophy. Also called: Inherited retinal dystrophy. Identifiers: Orphanet 71862, MedGen C0854723, MeSH D058499, MONDO:0019118, HP:0000556.
Bardet-Biedl syndrome (BBS). Identifiers: Orphanet 110, MedGen C0752166, MONDO:0015229.
Cone dystrophy. Identifiers: Orphanet 1871, MedGen C0730290, MONDO:0000455.
Intellectual disability. Also called: Intellectual functioning disability; Intellectual developmental disorder; intellectual disabilities. Identifiers: MedGen C3714756, MeSH D008607, MONDO:0001071, HP:0001249.

Allele frequency attached by ClinVar (database versions not stated): 1000 Genomes Project 30x 0.00234; ExAC 0.00438; gnomAD exomes 0.00525 and 0.00419; 1000 Genomes Project 0.00220; gnomAD 0.00380 and 0.00375; TOPMed 0.00346; ESP Exome Variant Server 0.00469.
gnomAD v4.1: 8,165 of 1,612,686 alleles (0.51%); highest among the groups gnomAD compares: Non-Finnish European, 0.61%; 23 homozygotes.

Submissions 1 to 22 of 37:

CeGaT Center for Human Genetics Tuebingen
Classification: Likely benign. Last evaluated: 2026-09-01. Review status: criteria provided, single submitter. Criteria: CeGaT Center For Human Genetics Tuebingen Variant Classification Criteria Version 2. Collection method: clinical testing. Allele origin: germline. Affected: yes. Observed: 11 variant alleles.
Comment: BBS5: PP3, BS2

Labcorp Genetics (formerly Invitae), Labcorp
Classification: Benign for Bardet-Biedl syndrome. Last evaluated: 2026-02-02. Review status: criteria provided, single submitter. Criteria: Invitae Variant Classification Sherloc (09022015). Collection method: clinical testing. Allele origin: germline.

Women's Health and Genetics/Laboratory Corporation of America, LabCorp
Classification: Likely benign. Last evaluated: 2025-11-25. Review status: criteria provided, single submitter. Criteria: LabCorp Variant Classification Summary - May 2015. Collection method: clinical testing. Allele origin: germline.
Comment: Variant summary: BBS5 c.551A>G (p.Asn184Ser) results in a conservative amino acid change in the encoded protein sequence. Algorithms developed to predict the effect of missense changes on protein structure and function are either unavailable or do not agree on the potential impact of this missense change. The variant allele was found at a frequency of 0.0042 in 251288 control chromosomes in the gnomAD database, including 2 homozygotes. The observed variant frequency exceeds the estimated maximal expected allele frequency for disease-causing variants in BBS5. c.551A>G has been reported in the literature in individuals affected with Bardet-Biedl Syndrome, however in many cases it was found in heterozygous state, or together with other variants which could (potentially) explain the phenotype (e.g. Li_2004, Zaghoul_2010, Castro-Sanchez_2019, and the LOVD database). These reports do not provide unequivocal conclusions about association of the variant with Bardet-Biedl Syndrome. Publications reported experimental evidence evaluating an impact on protein and demonstrated developmental defects in zebrafish embryos (Zaghoul_2010, Castro-Sanchez_2019), however, these assays do not allow convincing conclusions about the variant effect humans. The following publications have been ascertained in the context of this evaluation (PMID: 31506453, 15137946, 20498079). ClinVar contains an entry for this variant (Variation ID: 100605). Based on the evidence outlined above, the variant was classified as likely benign.

Laboratory of Genetics, Children's Clinical University Hospital Latvia
Classification: Likely benign. Last evaluated: 2025-02-16. Review status: criteria provided, single submitter. Criteria: ACMG Guidelines, 2015. Collection method: clinical testing. Allele origin: germline. Affected: yes.

Mayo Clinic Laboratories, Mayo Clinic
Classification: Likely benign. Last evaluated: 2025-02-03. Review status: criteria provided, single submitter. Criteria: ACMG Guidelines, 2015. Collection method: clinical testing. Allele origin: germline. Observed: 2 variant alleles.
Comment: BS1, BP5, PP3

Blueprint Genetics
Classification: Likely benign. Last evaluated: 2024-11-26. Review status: criteria provided, single submitter. Criteria: ACMG Guidelines, 2015. Collection method: clinical testing. Allele origin: germline.

GeneDx
Classification: Uncertain significance. Last evaluated: 2024-06-03. Review status: criteria provided, single submitter. Criteria: GeneDx Variant Classification Process June 2021. Collection method: clinical testing. Allele origin: germline. Affected: yes.
Comment: Reported previously in the heterozygous state in multiple individuals with a ciliopathy phenotype; however, these individuals harbored pathogenic variants in other genes which likely explained their phenotype, suggesting that N184S may either not contribute, or be a potentially modifying variant, to the phenotype (PMID: 24128419, 15137946, 23432027, 27486776, 31888296); Identified in a patient with cone-rod dystrophy who also harbored two other variants in BBS5, although phase of these variants was unknown (PMID: 28041643); Published functional studies demonstrated defects on developmental in zebrafish (PMID: 31506453); In silico analysis supports that this missense variant has a deleterious effect on protein structure/function; This variant is associated with the following publications: (PMID: 29039417, 20498079, 15137946, 18203199, 22025579, 23432027, 28224992, 29068140, 31888296, 27486776, 32581362, 35835773, 34448047, 37240074, 31506453, 28041643, 24128419)

Institute of Human Genetics, Univ. Regensburg, Univ. Regensburg
Classification: Uncertain significance for Retinal dystrophy. Last evaluated: 2022-01-01. Review status: criteria provided, single submitter. Criteria: ACMG Guidelines, 2015. Collection method: clinical testing. Allele origin: germline. Affected: yes.

Cambridge Genomics Laboratory, East Genomic Laboratory Hub, NHS Genomic Medicine Service
Classification: Benign for Intellectual disability. Last evaluated: 2020-03-30. Review status: criteria provided, single submitter. Criteria: ACGS Best Practice Guidelines for Variant Classification in Rare Disease 2020. Collection method: clinical testing. Allele origin: germline. Affected: yes. Observed: 1 variant allele.

Genetic Services Laboratory, University of Chicago
Classification: Likely benign. Last evaluated: 2018-12-18. Review status: criteria provided, single submitter. Criteria: ACMG Guidelines, 2015. Collection method: clinical testing. Allele origin: germline. Affected: no.

Center for Pediatric Genomic Medicine, Children's Mercy Hospital and Clinics
Classification: Likely benign. Last evaluated: 2017-02-22. Review status: criteria provided, single submitter. Criteria: ACMG Guidelines, 2015. Collection method: clinical testing. Allele origin: germline.

Eurofins Ntd Llc (ga)
Classification: Likely benign. Last evaluated: 2014-04-07. Review status: criteria provided, single submitter. Criteria: EGL Classification Definitions 2015. Collection method: clinical testing. Allele origin: germline. Observed: 2 variant alleles, 2 heterozygotes.

NIHR Bioresource Rare Diseases, University of Cambridge
Classification: Likely pathogenic for Cone-rod dystrophy. Last evaluated: 2015-01-01. Review status: no assertion criteria provided. Collection method: research. Allele origin: unknown. Affected: yes. Observed: 1 variant allele. Not counted in ClinVar's aggregate classification.

Dr. Peter K. Rogan Lab, Western University
No classification provided (evidence only). Condition: Lung cancer. Review status: no classification provided. Collection method: in vitro. Allele origin: not applicable. Functional consequence: retained intron. Not counted in ClinVar's aggregate classification.

Dr. Peter K. Rogan Lab, Western University
No classification provided (evidence only). Condition: Lung cancer. Review status: no classification provided. Collection method: in vitro. Allele origin: not applicable. Functional consequence: retained intron. Not counted in ClinVar's aggregate classification.

Dr. Peter K. Rogan Lab, Western University
No classification provided (evidence only). Condition: Lung cancer. Review status: no classification provided. Collection method: in vitro. Allele origin: not applicable. Functional consequence: retained intron. Not counted in ClinVar's aggregate classification.

Dr. Peter K. Rogan Lab, Western University
No classification provided (evidence only). Condition: Lung cancer. Review status: no classification provided. Collection method: in vitro. Allele origin: not applicable. Functional consequence: retained intron. Not counted in ClinVar's aggregate classification.

Dr. Peter K. Rogan Lab, Western University
No classification provided (evidence only). Condition: Melanoma. Review status: no classification provided. Collection method: in vitro. Allele origin: not applicable. Functional consequence: retained intron. Not counted in ClinVar's aggregate classification.

Dr. Peter K. Rogan Lab, Western University
No classification provided (evidence only). Condition: Melanoma. Review status: no classification provided. Collection method: in vitro. Allele origin: not applicable. Functional consequence: retained intron. Not counted in ClinVar's aggregate classification.

Dr. Peter K. Rogan Lab, Western University
No classification provided (evidence only). Condition: Familial cancer of breast. Review status: no classification provided. Collection method: in vitro. Allele origin: not applicable. Functional consequence: retained intron. Not counted in ClinVar's aggregate classification.

Dr. Peter K. Rogan Lab, Western University
No classification provided (evidence only). Condition: Familial cancer of breast. Review status: no classification provided. Collection method: in vitro. Allele origin: not applicable. Functional consequence: retained intron. Not counted in ClinVar's aggregate classification.

Dr. Peter K. Rogan Lab, Western University
No classification provided (evidence only). Condition: Familial cancer of breast. Review status: no classification provided. Collection method: in vitro. Allele origin: not applicable. Functional consequence: retained intron. Not counted in ClinVar's aggregate classification.